The following is an entry in ClinVar:

ClinVar aggregate classification (germline): Uncertain significance (1 of 4 stars; one submission).

Allele frequency attached by ClinVar (database versions not stated): TOPMed below 0.00001; gnomAD exomes 0.00001.
gnomAD v4.1: 4 of 1,601,700 alleles (0.00025%); highest among the groups gnomAD compares: Non-Finnish European, 0.00034%; no homozygotes.

Submission:

Labcorp Genetics (formerly Invitae), Labcorp
Classification: Uncertain significance. Last evaluated: 2024-02-24. Review status: criteria provided, single submitter. Criteria: Invitae Variant Classification Sherloc (09022015). Collection method: clinical testing. Allele origin: germline.
Comment: This sequence change replaces glutamine, which is neutral and polar, with histidine, which is basic and polar, at codon 694 of the OTOF protein (p.Gln694His). This variant is not present in population databases (gnomAD no frequency). This variant has not been reported in the literature in individuals affected with OTOF-related conditions. ClinVar contains an entry for this variant (Variation ID: 1991275). Advanced modeling of protein sequence and biophysical properties (such as structural, functional, and spatial information, amino acid conservation, physicochemical variation, residue mobility, and thermodynamic stability) performed at Invitae indicates that this missense variant is not expected to disrupt OTOF protein function with a negative predictive value of 95%. In summary, the available evidence is currently insufficient to determine the role of this variant in disease. Therefore, it has been classified as a Variant of Uncertain Significance.

NM_194248.3(OTOF):c.2082G>T (p.Gln694His)

Gene: OTOF (otoferlin; minus strand). Cytogenetic location: 2p23.3.
Variant type: single nucleotide variant.
Coding change: c.2082G>T on transcript NM_194248.3 (MANE Select); coding-DNA position 2082, G replaced by T.
Protein change: p.Gln694His; replaces glutamine 694 with histidine.
Molecular consequence: missense variant.
Genome position (GRCh38, 1-based): chr2:26,479,484, C>A on the plus strand (G>T on the coding strand, the complement: OTOF is on the minus strand). VCF-style: chr2-26479484-C-A. GRCh37 (hg19) VCF-style: chr2-26702352-C-A.
Other names: c.2082G>T, p.Gln694His (NM_001287489.2); short protein forms Q694H.
Identifiers: ClinVar variation 1991275 (VCV001991275.4), dbSNP rs1665462160, ClinGen allele CA346128211.